The following is an entry in ClinVar:

NM_007186.6(CEP250):c.7163A>G (p.His2388Arg)

Gene: CEP250 (centrosomal protein 250; plus strand). Cytogenetic location: 20q11.22.
Variant type: single nucleotide variant.
Coding change: c.7163A>G on transcript NM_007186.6 (MANE Select); coding-DNA position 7163, A replaced by G.
Protein change: p.His2388Arg; replaces histidine 2388 with arginine.
Molecular consequence: missense variant.
Genome position (GRCh38, 1-based): chr20:35,511,460, A>G. VCF-style: chr20-35511460-A-G. GRCh37 (hg19) VCF-style: chr20-34099289-A-G.
Other names: c.5267A>G, p.His1756Arg (NM_001318219.1); short protein forms H2388R, H1756R.
Identifiers: ClinVar variation 1374564 (VCV001374564.8), dbSNP rs772480349, ClinGen allele CA9834262.

ClinVar aggregate classification (germline): Uncertain significance (1 of 4 stars; one submission).

Allele frequency attached by ClinVar (database versions not stated): ExAC 0.00001; gnomAD exomes 0.00001; gnomAD 0.00003 and 0.00004; TOPMed 0.00005.
gnomAD v4.1: 11 of 1,613,898 alleles (0.00068%); highest among the groups gnomAD compares: African/African-American, 0.015%; no homozygotes.

Submission:

Labcorp Genetics (formerly Invitae), Labcorp
Classification: Uncertain significance. Last evaluated: 2022-10-05. Review status: criteria provided, single submitter. Criteria: Invitae Variant Classification Sherloc (09022015). Collection method: clinical testing. Allele origin: germline.
Comment: In summary, the available evidence is currently insufficient to determine the role of this variant in disease. Therefore, it has been classified as a Variant of Uncertain Significance. Algorithms developed to predict the effect of missense changes on protein structure and function are either unavailable or do not agree on the potential impact of this missense change (SIFT: "Not Available"; PolyPhen-2: "Benign"; Align-GVGD: "Not Available"). ClinVar contains an entry for this variant (Variation ID: 1374564). This variant has not been reported in the literature in individuals affected with CEP250-related conditions. This variant is present in population databases (rs772480349, gnomAD 0.01%). This sequence change replaces histidine, which is basic and polar, with arginine, which is basic and polar, at codon 2388 of the CEP250 protein (p.His2388Arg).